The following is an entry in ClinVar:

NM_001283009.2(RTEL1):c.3253G>T (p.Ala1085Ser)

Genes: RTEL1 (regulator of telomere elongation helicase 1; plus strand), RTEL1-TNFRSF6B (RTEL1-TNFRSF6B readthrough (NMD candidate); plus strand). Cytogenetic location: 20q13.33.
Variant type: single nucleotide variant.
Coding change: c.3253G>T on transcript NM_001283009.2 (MANE Select); coding-DNA position 3253, G replaced by T.
Protein change: p.Ala1085Ser; replaces alanine 1085 with serine.
Molecular consequence: missense variant. On other transcripts: non-coding transcript variant (1).
Genome position (GRCh38, 1-based): chr20:63,694,884, G>T. VCF-style: chr20-63694884-G-T. GRCh37 (hg19) VCF-style: chr20-62326237-G-T.
Other names: c.2584G>T, p.Ala862Ser (NM_001283010.1); c.3253G>T, p.Ala1085Ser (NM_016434.4); c.3325G>T, p.Ala1109Ser (NM_032957.5); short protein forms A1085S, A1109S, A862S.
Identifiers: ClinVar variation 2630729 (VCV002630729.2), dbSNP rs1470891280, ClinGen allele CA409685049.
Genomic context (GRCh38, chr20:63,694,884, plus strand): 5'-GCTGATGCCCGCAGGGCCCTGGGGTCCGCGGGCTGTAGCCAACTCTTGGCAGCGCTGACA[G>T]CCTATAAGCAAGACGACGACCTCGACAAGGTGCTGGCTGTGTTGGCCGCCCTGACCACTG-3'
Protein context (NP_001269938.1, residues 1075-1095): GCSQLLAALT[Ala1085Ser]YKQDDDLDKV

ClinVar aggregate classification (germline): Uncertain significance. Review status: criteria provided, multiple submitters, no conflicts (2 of 4 stars). 2 submissions from 2 submitters: Uncertain significance (2). Last evaluated 2024-04-13.

Conditions:
RTEL1-related disorder. Also called: RTEL1-related condition; RTEL1-related disorders.
Dyskeratosis congenita, autosomal recessive 5 (DKCB5). Identifiers: MedGen C3554656, MONDO:0014076, OMIM 615190.
Pulmonary fibrosis and/or bone marrow failure, Telomere-related, 3. Also called: PULMONARY FIBROSIS AND/OR BONE MARROW FAILURE SYNDROME, TELOMERE-RELATED, 3. Identifiers: Orphanet 2032, MedGen C4225346, MONDO:0014613, OMIM 616373.

Submissions (2):

Fulgent Genetics
Classification: Uncertain significance for Dyskeratosis congenita, autosomal recessive 5; Pulmonary fibrosis and/or bone marrow failure, Telomere-related, 3. Last evaluated: 2024-04-13. Review status: criteria provided, single submitter. Criteria: ACMG Guidelines, 2015. Collection method: clinical testing. Allele origin: germline.

PreventionGenetics, part of Exact Sciences
Classification: Uncertain significance for RTEL1-related condition. Last evaluated: 2023-09-19. Review status: criteria provided, single submitter. Criteria: ACMG Guidelines, 2015. Collection method: clinical testing. Allele origin: germline.
Comment: The RTEL1 c.3325G>T variant is predicted to result in the amino acid substitution p.Ala1109Ser. To our knowledge, this variant has not been reported in the literature or in a large population database, indicating this variant is rare. At this time, the clinical significance of this variant is uncertain due to the absence of conclusive functional and genetic evidence.